The following is an entry in ClinVar:

NM_000089.4(COL1A2):c.811G>C (p.Gly271Arg)

Gene: COL1A2 (collagen type I alpha 2 chain; plus strand). Cytogenetic location: 7q21.3.
Variant type: single nucleotide variant.
Coding change: c.811G>C on transcript NM_000089.4 (MANE Select); coding-DNA position 811, G replaced by C.
Protein change: p.Gly271Arg; replaces glycine 271 with arginine.
Molecular consequence: missense variant.
Genome position (GRCh38, 1-based): chr7:94,409,340, G>C. VCF-style: chr7-94409340-G-C. GRCh37 (hg19) VCF-style: chr7-94038652-G-C.
Other names: short protein forms G271R.
Identifiers: ClinVar variation 4819334 (VCV004819334.1).

ClinVar aggregate classification (germline): Pathogenic (1 of 4 stars; one submission).

Conditions:
Osteogenesis imperfecta with normal sclerae, dominant form (OI4). Also called: OSTEOGENESIS IMPERFECTA, TYPE IV, WITH DENTINOGENESIS IMPERFECTA; OSTEOGENESIS IMPERFECTA WITH NORMAL SCLERAE; Osteogenesis Imperfecta Type IV; Osteogenesis imperfecta type 4; Common Variable Osteogenesis Imperfecta with Normal Sclerae. Identifiers: Orphanet 216820, Orphanet 666, MedGen C0268363, MONDO:0008148, OMIM 166220.

Submission:

Clinical Biomedical Laboratory, Shriners Hospital For Children - Canada
Classification: Pathogenic for Osteogenesis imperfecta with normal sclerae, dominant form. Review status: criteria provided, single submitter. Criteria: ACMG Guidelines, 2015. Collection method: clinical testing. Allele origin: germline. Affected: yes.
Comment: This variant is predicted to substitute a glycine residue by an arginine residue in the triple helical domain of the collagen type I alpha 2 chain. The variant is absent in the Genome Aggregation Database (v2.1.1), indicating it is very rare. Computational tools (REVEL: 0.99) suggest that the amino acid change is deleterious to protein function. Based on the ACMG variant interpretation guidelines (criteria: PM2, PM5, PP2, PP3, PP4), the available evidence supports classification of this variant as pathogenic.